The following is an entry in ClinVar:

NM_001032382.2(PQBP1):c.264G>A (p.Ser88=)

Gene: PQBP1 (polyglutamine binding protein 1; plus strand). Cytogenetic location: Xp11.23.
Variant type: single nucleotide variant.
Coding change: c.264G>A on transcript NM_001032382.2 (MANE Select); coding-DNA position 264, G replaced by A.
Protein change: p.Ser88=; no amino-acid change (serine 88 retained).
Molecular consequence: synonymous variant. On other transcripts: intron variant (1).
Genome position (GRCh38, 1-based): chrX:48,902,014, G>A. VCF-style: chrX-48902014-G-A. GRCh37 (hg19) VCF-style: chrX-48759291-G-A.
Other names: c.264G>A, p.Ser88= (NM_001032381.2, NM_001032383.2, NM_001032384.1 and 3 more transcripts); c.240G>A, p.Ser80= (NM_001167990.2); c.201+63G>A (NM_001167992.1).
Identifiers: ClinVar variation 95310 (VCV000095310.46), dbSNP rs398124212, ClinGen allele CA148415.

ClinVar aggregate classification (germline): Benign/Likely benign. Review status: criteria provided, multiple submitters, no conflicts (2 of 4 stars). 7 submissions from 7 submitters: Benign (6); Likely benign (1). Last evaluated 2026-01-04.

Conditions:
Inborn genetic diseases. Identifiers: MedGen C0950123, MeSH D030342.
Renpenning syndrome. Also called: MENTAL RETARDATION, X-LINKED 55; MENTAL RETARDATION, X-LINKED, SYNDROMIC 8; SUTHERLAND-HAAN X-LINKED MENTAL RETARDATION SYNDROME; GOLABI-ITO-HALL SYNDROME; Mental retardation, X-linked Renpenning type; X-linked mental retardation with spastic diplegia. Identifiers: Orphanet 3242, MedGen C0796135, MONDO:0010653, OMIM 309500.

Allele frequency attached by ClinVar (database versions not stated): gnomAD exomes 0.00015 and 0.00080; gnomAD 0.00017 and 0.00018; TOPMed 0.00042; ExAC 0.00060.
gnomAD v4.1: 178 of 1,209,652 alleles (0.015%); highest among the groups gnomAD compares: Admixed American, 0.38%; no homozygotes.

Submissions (7):

Labcorp Genetics (formerly Invitae), Labcorp
Classification: Benign. Last evaluated: 2026-01-04. Review status: criteria provided, single submitter. Criteria: Invitae Variant Classification Sherloc (09022015). Collection method: clinical testing. Allele origin: germline.

CeGaT Center for Human Genetics Tuebingen
Classification: Likely benign. Last evaluated: 2025-12-01. Review status: criteria provided, single submitter. Criteria: CeGaT Center For Human Genetics Tuebingen Variant Classification Criteria Version 2. Collection method: clinical testing. Allele origin: germline. Affected: yes. Observed: 3 variant alleles.
Comment: PQBP1: BP4, BP7, BS2

Athena Diagnostics
Classification: Benign. Last evaluated: 2024-10-11. Review status: criteria provided, single submitter. Criteria: Athena Diagnostics Criteria. Collection method: clinical testing. Allele origin: unknown.

GeneDx
Classification: Benign. Last evaluated: 2019-11-01. Review status: criteria provided, single submitter. Criteria: GeneDx Variant Classification Process June 2021. Collection method: clinical testing. Allele origin: germline. Affected: yes.

Ambry Genetics
Classification: Benign for Inborn genetic diseases. Last evaluated: 2019-06-24. Review status: criteria provided, single submitter. Criteria: Ambry Variant Classification Scheme 2023. Collection method: clinical testing. Allele origin: germline.

Illumina Laboratory Services, Illumina
Classification: Benign for Renpenning syndrome. Last evaluated: 2018-01-13. Review status: criteria provided, single submitter. Criteria: ICSL Variant Classification Criteria 13 December 2019. Collection method: clinical testing. Allele origin: germline.
Comment: This variant was observed in the ICSL laboratory as part of a predisposition screen in an ostensibly healthy population. It had not been previously curated by ICSL or reported in the Human Gene Mutation Database (HGMD: prior to June 1st, 2018), and was therefore a candidate for classification through an automated scoring system. Utilizing variant allele frequency, disease prevalence and penetrance estimates, and inheritance mode, an automated score was calculated to assess if this variant is too frequent to cause the disease. Based on the score and internal cut-off values, a variant classified as benign is not then subjected to further curation. The score for this variant resulted in a classification of benign for this disease.

Eurofins Ntd Llc (ga)
Classification: Benign. Last evaluated: 2015-05-21. Review status: criteria provided, single submitter. Criteria: EGL Classification Definitions 2015. Collection method: clinical testing. Allele origin: germline. Observed: 2 variant alleles, 2 heterozygotes.